The following is an entry in ClinVar:

ClinVar aggregate classification (germline): Uncertain significance (1 of 4 stars; one submission).

Allele frequency attached by ClinVar (database versions not stated): gnomAD exomes below 0.00001.
gnomAD v4.1: 2 of 1,613,270 alleles (0.00012%); highest among the groups gnomAD compares: South Asian, 0.0022%; no homozygotes.

Submission:

Labcorp Genetics (formerly Invitae), Labcorp
Classification: Uncertain significance. Last evaluated: 2024-09-17. Review status: criteria provided, single submitter. Criteria: Invitae Variant Classification Sherloc (09022015). Collection method: clinical testing. Allele origin: germline.
Comment: This sequence change replaces asparagine, which is neutral and polar, with aspartic acid, which is acidic and polar, at codon 160 of the MYLK3 protein (p.Asn160Asp). This variant is present in population databases (no rsID available, gnomAD 0.003%). This variant has not been reported in the literature in individuals affected with MYLK3-related conditions. ClinVar contains an entry for this variant (Variation ID: 1970655). An algorithm developed to predict the effect of missense changes on protein structure and function outputs the following: PolyPhen-2: "Possibly Damaging". The aspartic acid amino acid residue is found in multiple mammalian species, which suggests that this missense change does not adversely affect protein function. In summary, the available evidence is currently insufficient to determine the role of this variant in disease. Therefore, it has been classified as a Variant of Uncertain Significance.

NM_182493.3(MYLK3):c.478A>G (p.Asn160Asp)

Gene: MYLK3 (myosin light chain kinase 3; minus strand). Cytogenetic location: 16q11.2.
Variant type: single nucleotide variant.
Coding change: c.478A>G on transcript NM_182493.3 (MANE Select); coding-DNA position 478, A replaced by G.
Protein change: p.Asn160Asp; replaces asparagine 160 with aspartic acid.
Molecular consequence: missense variant. On other transcripts: 5 prime UTR variant (1).
Genome position (GRCh38, 1-based): chr16:46,740,147, T>C on the plus strand (A>G on the coding strand, the complement: MYLK3 is on the minus strand). VCF-style: chr16-46740147-T-C. GRCh37 (hg19) VCF-style: chr16-46774059-T-C.
Other names: c.-113A>G (NM_001308301.1); short protein forms N160D.
Identifiers: ClinVar variation 1970655 (VCV001970655.5), dbSNP rs1217828937, ClinGen allele CA395796126.
Genomic context (GRCh38, chr16:46,740,147, plus strand): 5'-CCCCACTGGTGCTCAGCACATGCTTTGGTTTTCCTCCCTCTTCTTCCACTCGCTCTTTAT[T>C]CTAAAATAACAACCATAAAAAATGTCATCATTATCATCAACATTGCCATTCAGGCCACAG-3'
Protein context (NP_872299.2, residues 150-170): RGSPGDSPEE[Asn160Asp]KERVEEEGGK